The following is an entry in ClinVar:

NM_144991.3(TSPEAR):c.1255del (p.Ile419fs)

Gene: TSPEAR (thrombospondin type laminin G domain and EAR repeats; minus strand). Cytogenetic location: 21q22.3.
Variant type: Deletion.
Coding change: c.1255del on transcript NM_144991.3 (MANE Select); coding-DNA position 1255, one base deleted (A; older notation c.1255delA).
Protein change: p.Ile419fs; shifts the reading frame from isoleucine 419.
Molecular consequence: frameshift variant.
Genome position (GRCh38, 1-based): chr21:44,525,734, T deleted on the plus strand (A on the coding strand, the reverse complement: TSPEAR is on the minus strand). VCF-style (leftmost placement, unchanged base first): chr21-44525733-AT-A. GRCh37 (hg19) VCF-style: chr21-45945616-AT-A.
Other names: c.1051del, p.Ile351fs (NM_001272037.2); short protein forms I351fs, I419fs.
Identifiers: ClinVar variation 3354680 (VCV003354680.2).

ClinVar aggregate classification (germline): Likely pathogenic. Review status: criteria provided, single submitter (1 of 4 stars). 2 submissions from 2 submitters: Likely pathogenic (1). 1 of the submissions does not count toward it. Last evaluated 2024-02-02.

Conditions:
TSPEAR-related disorder. Also called: TSPEAR-related condition.

Submissions (2):

Blueprint Genetics
Classification: Likely pathogenic for TSPEAR-related disorders. Last evaluated: 2024-02-02. Review status: criteria provided, single submitter. Criteria: ACMG Guidelines, 2015. Collection method: clinical testing. Allele origin: germline. Affected: yes. Observed: 1 variant allele.

PreventionGenetics, part of Exact Sciences
Classification: Likely pathogenic for TSPEAR-related condition. Last evaluated: 2024-09-24. Review status: no assertion criteria provided. Collection method: clinical testing. Allele origin: germline. Not counted in ClinVar's aggregate classification.
Comment: The TSPEAR c.1255delA variant is predicted to result in a frameshift and premature protein termination (p.Ile419Leufs*150). To our knowledge, this variant has not been reported in the literature. This variant is reported in 0.023% of alleles in individuals of South Asian descent in gnomAD. Frameshift variants in TSPEAR are expected to be pathogenic. This variant is interpreted as likely pathogenic.